The following is an entry in ClinVar:

NM_001079872.2(CUL4B):c.2632C>T (p.Arg878Trp)

Gene: CUL4B (cullin 4B; minus strand). Cytogenetic location: Xq24.
Variant type: single nucleotide variant.
Coding change: c.2632C>T on transcript NM_001079872.2 (MANE Select); coding-DNA position 2632, C replaced by T.
Protein change: p.Arg878Trp; replaces arginine 878 with tryptophan.
Molecular consequence: missense variant.
Genome position (GRCh38, 1-based): chrX:120,526,817, G>A on the plus strand (C>T on the coding strand, the complement: CUL4B is on the minus strand). VCF-style: chrX-120526817-G-A. GRCh37 (hg19) VCF-style: chrX-119660672-G-A.
Other names: c.2647C>T, p.Arg883Trp (NM_001330624.2); c.2098C>T, p.Arg700Trp (NM_001369145.1); c.2686C>T, p.Arg896Trp (NM_003588.4); short protein forms R700W, R878W, R883W, R896W.
Identifiers: ClinVar variation 3773939 (VCV003773939.1).
Genomic context (GRCh38, chrX:120,526,817, plus strand): 5'-CATTCTATGCAATATAGTTGTACTGGTTTGGATTTTCTTTATCTCTTTCCATGTAGTCCC[G>A]GTCAATTAAAGATTCTATTCTCTTCTTAAGATCAGCAGGCTGTAAGAGAAGGCAAATTTT-3'
Protein context (NP_001073341.1, residues 868-888): LKKRIESLID[Arg878Trp]DYMERDKENP

ClinVar aggregate classification (germline): Uncertain significance (1 of 4 stars; one submission).

Submission:

GeneDx
Classification: Uncertain significance. Last evaluated: 2024-09-24. Review status: criteria provided, single submitter. Criteria: GeneDx Variant Classification Process June 2021. Collection method: clinical testing. Allele origin: germline. Affected: yes.
Comment: Not observed at significant frequency in large population cohorts (gnomAD); In silico analysis supports that this missense variant has a deleterious effect on protein structure/function; Has not been previously published as pathogenic or benign to our knowledge